The following is an entry in ClinVar:

NM_000548.5(TSC2):c.2766G>A (p.Leu922=)

Gene: TSC2 (TSC complex subunit 2; plus strand). Cytogenetic location: 16p13.3.
Variant type: single nucleotide variant.
Coding change: c.2766G>A on transcript NM_000548.5 (MANE Select); coding-DNA position 2766, G replaced by A.
Protein change: p.Leu922=; no amino-acid change (leucine 922 retained).
Molecular consequence: synonymous variant.
Genome position (GRCh38, 1-based): chr16:2,076,514, G>A. VCF-style: chr16-2076514-G-A. GRCh37 (hg19) VCF-style: chr16-2126515-G-A.
Other names: c.2766G>A, p.Leu922= (NM_001077183.3, NM_001114382.3, NM_001363528.2 and 3 more transcripts); c.2655G>A, p.Leu885= (NM_001318827.2); c.2619G>A, p.Leu873= (NM_001318829.2); c.2166G>A, p.Leu722= (NM_001318831.2); c.2799G>A, p.Leu933= (NM_001318832.2).
Identifiers: ClinVar variation 702472 (VCV000702472.17), dbSNP rs772858520, ClinGen allele CA041880.

ClinVar aggregate classification (germline): Benign/Likely benign. Review status: criteria provided, multiple submitters, no conflicts (2 of 4 stars). 5 submissions from 5 submitters: Benign (2); Likely benign (3). Last evaluated 2025-05-22.

Conditions:
Hereditary cancer-predisposing syndrome. Also called: Tumor predisposition; Hereditary neoplastic syndrome; Neoplastic Syndromes, Hereditary; Hereditary Cancer Syndrome. Identifiers: Orphanet 140162, MedGen C0027672, MeSH D009386, MONDO:0015356.
Tuberous sclerosis 2 (TSC2). Identifiers: Orphanet 805, MedGen C1860707, MONDO:0013199, OMIM 613254.
Tuberous sclerosis syndrome (TSC). Also called: Tuberous Sclerosis Complex; Tuberous sclerosis. Identifiers: Orphanet 805, MedGen C0041341, MONDO:0001734.

Allele frequency attached by ClinVar (database versions not stated): gnomAD exomes 0.00001; ExAC 0.00001.
gnomAD v4.1: 6 of 1,613,592 alleles (0.00037%); highest among the groups gnomAD compares: East Asian, 0.013%; no homozygotes.

Submissions (5):

Myriad Genetics, Inc.
Classification: Benign for Tuberous sclerosis 2. Last evaluated: 2025-05-22. Review status: criteria provided, single submitter. Criteria: Myriad Autosomal Dominant, Autosomal Recessive and X-Linked Classification Criteria (2023). Collection method: clinical testing. Allele origin: unknown.
Comment: This variant is considered benign. This variant is a silent/synonymous amino acid change and it is not expected to impact splicing.

Labcorp Genetics (formerly Invitae), Labcorp
Classification: Likely benign for Tuberous sclerosis 2. Last evaluated: 2024-04-18. Review status: criteria provided, single submitter. Criteria: Invitae Variant Classification Sherloc (09022015). Collection method: clinical testing. Allele origin: germline.

All of Us Research Program, National Institutes of Health
Classification: Likely benign for Tuberous sclerosis syndrome. Last evaluated: 2022-11-30. Review status: criteria provided, single submitter. Criteria: ACMG Guidelines, 2015. Collection method: clinical testing. Allele origin: germline. Inheritance: Autosomal dominant inheritance. Observed: 1 variant allele, 1 heterozygote.
Comment: This study involves interpretation of variants in research participants for the purpose of population health screening. Participant phenotype was not available at the time of variant classification. Additional details can be found in publication PMID: 35346344, PMCID: PMC8962531

Genome-Nilou Lab
Classification: Benign for Tuberous sclerosis 2. Last evaluated: 2021-11-07. Review status: criteria provided, single submitter. Criteria: ACMG Guidelines, 2015. Collection method: clinical testing. Allele origin: germline. Affected: no.

Ambry Genetics
Classification: Likely benign for Hereditary cancer-predisposing syndrome. Last evaluated: 2019-09-03. Review status: criteria provided, single submitter. Criteria: Ambry Variant Classification Scheme 2023. Collection method: clinical testing. Allele origin: germline.